The following is an entry in ClinVar:

ClinVar aggregate classification (germline): Uncertain significance. Review status: criteria provided, multiple submitters, no conflicts (2 of 4 stars). 2 submissions from 2 submitters: Uncertain significance (2). Last evaluated 2025-04-06.

Conditions:
Hereditary cancer-predisposing syndrome. Also called: Hereditary Cancer Syndrome; Hereditary neoplastic syndrome; Neoplastic Syndromes, Hereditary; Tumor predisposition. Identifiers: Orphanet 140162, MedGen C0027672, MeSH D009386, MONDO:0015356.

Allele frequency attached by ClinVar (database versions not stated): gnomAD exomes below 0.00001.
gnomAD v4.1: 4 of 1,614,006 alleles (0.00025%); highest among the groups gnomAD compares: Middle Eastern, 0.016%; no homozygotes.

Submissions (2):

Ambry Genetics
Classification: Uncertain significance for Hereditary cancer-predisposing syndrome. Last evaluated: 2025-04-06. Review status: criteria provided, single submitter. Criteria: Ambry Variant Classification Scheme 2023. Collection method: clinical testing. Allele origin: germline.
Comment: The p.V68G variant (also known as c.203T>G), located in coding exon 3 of the EPCAM gene, results from a T to G substitution at nucleotide position 203. The valine at codon 68 is replaced by glycine, an amino acid with dissimilar properties. This amino acid position is conserved. In addition, the in silico prediction for this alteration is inconclusive. Since supporting evidence is limited at this time, the clinical significance of this alteration remains unclear.

Labcorp Genetics (formerly Invitae), Labcorp
Classification: Uncertain significance. Last evaluated: 2024-04-08. Review status: criteria provided, single submitter. Criteria: Invitae Variant Classification Sherloc (09022015). Collection method: clinical testing. Allele origin: germline.
Comment: This sequence change replaces valine, which is neutral and non-polar, with glycine, which is neutral and non-polar, at codon 68 of the EPCAM protein (p.Val68Gly). This variant is not present in population databases (gnomAD no frequency). This variant has not been reported in the literature in individuals affected with EPCAM-related conditions. ClinVar contains an entry for this variant (Variation ID: 216552). Advanced modeling of protein sequence and biophysical properties (such as structural, functional, and spatial information, amino acid conservation, physicochemical variation, residue mobility, and thermodynamic stability) performed at Invitae indicates that this missense variant is not expected to disrupt EPCAM protein function with a negative predictive value of 80%. In summary, the available evidence is currently insufficient to determine the role of this variant in disease. Therefore, it has been classified as a Variant of Uncertain Significance.

NM_002354.3(EPCAM):c.203T>G (p.Val68Gly)

Gene: EPCAM (epithelial cell adhesion molecule; plus strand). Cytogenetic location: 2p21.
Variant type: single nucleotide variant.
Coding change: c.203T>G on transcript NM_002354.3 (MANE Select); coding-DNA position 203, T replaced by G.
Protein change: p.Val68Gly; replaces valine 68 with glycine.
Molecular consequence: missense variant.
Genome position (GRCh38, 1-based): chr2:47,373,826, T>G. VCF-style: chr2-47373826-T-G. GRCh37 (hg19) VCF-style: chr2-47600965-T-G.
Other names: short protein forms V68G.
Identifiers: ClinVar variation 216552 (VCV000216552.12), dbSNP rs863224708, ClinGen allele CA336001.